The following is an entry in ClinVar:

ClinVar aggregate classification (germline): Pathogenic (1 of 4 stars; one submission).

Conditions:
Hereditary leiomyomatosis and renal cell cancer. Also called: LEIOMYOMA, MULTIPLE CUTANEOUS; MULTIPLE CUTANEOUS AND UTERINE LEIOMYOMATA 1, WITH OR WITHOUT RENAL CELL CARCINOMA; Reed syndrome; Multiple cutaneous and uterine leiomyomatosis; Cutaneous leiomyomata with uterine leiomyomata; Leiomyoma, hereditary multiple, of skin. Identifiers: Orphanet 523, MedGen C1708350, MONDO:0007888, OMIM 150800, HP:0007437. Disease mechanism: loss of function.

Submission:

Genomic Diagnostic Laboratory, Division of Genomic Diagnostics, Children's Hospital of Philadelphia
Classification: Pathogenic for Hereditary leiomyomatosis and renal cell cancer. Last evaluated: 2017-01-17. Review status: criteria provided, single submitter. Criteria: DGD Variant Analysis Guidelines. Collection method: clinical testing. Allele origin: germline. Affected: yes. Observed: 1 variant allele.
Comment: Clinical Testing

NM_000143.4(FH):c.395del (p.Lys131_Leu132insTer)

Gene: FH (fumarate hydratase; minus strand). Cytogenetic location: 1q43.
Variant type: Deletion.
Coding change: c.395del on transcript NM_000143.4 (MANE Select); coding-DNA position 395, one base deleted (T; older notation c.395delT).
Protein change: p.Lys131_Leu132insTer.
Molecular consequence: nonsense.
Genome position (GRCh38, 1-based): chr1:241,512,127, A deleted on the plus strand (T on the coding strand, the reverse complement: FH is on the minus strand); the first of 2 consecutive A bases (chr1:241,512,127-241,512,128); deleting either gives the same sequence. VCF-style (leftmost placement, unchanged base first): chr1-241512126-TA-T. GRCh37 (hg19) VCF-style: chr1-241675426-TA-T.
Other names: c.395delT (NM_000143.3).
Identifiers: ClinVar variation 393561 (VCV000393561.1), dbSNP rs1060499631, ClinGen allele CA16609376.